The following is an entry in ClinVar:

ClinVar aggregate classification (germline): Likely benign. Review status: criteria provided, single submitter (1 of 4 stars). 2 submissions from 2 submitters: Likely benign (1). 1 of the submissions does not count toward it. Last evaluated 2026-02-03.

Conditions:
KMT2D-related disorder. Also called: KMT2D-Related Disorders.
Kabuki syndrome. Also called: NIIKAWA-KUROKI SYNDROME; Kabuki make-up syndrome. Identifiers: Orphanet 2322, MedGen C0796004, MONDO:0016512.

Allele frequency attached by ClinVar (database versions not stated): gnomAD exomes 0.00002 and 0.00004; ExAC 0.00003; gnomAD 0.00005 and 0.00006; TOPMed 0.00005.
gnomAD v4.1: 39 of 1,612,048 alleles (0.0024%); highest among the groups gnomAD compares: Admixed American, 0.02%; no homozygotes.

Submissions (2):

Labcorp Genetics (formerly Invitae), Labcorp
Classification: Likely benign for Kabuki syndrome. Last evaluated: 2026-02-03. Review status: criteria provided, single submitter. Criteria: Invitae Variant Classification Sherloc (09022015). Collection method: clinical testing. Allele origin: germline.

PreventionGenetics, part of Exact Sciences
Classification: Likely benign for KMT2D-related condition. Last evaluated: 2023-03-31. Review status: no assertion criteria provided. Collection method: clinical testing. Allele origin: germline. Not counted in ClinVar's aggregate classification.
Comment: This variant is classified as likely benign based on ACMG/AMP sequence variant interpretation guidelines (Richards et al. 2015 PMID: 25741868, with internal and published modifications).

NM_003482.4(KMT2D):c.5783-10C>T

Gene: KMT2D (lysine methyltransferase 2D; minus strand). Cytogenetic location: 12q13.12.
Variant type: single nucleotide variant.
Coding change: c.5783-10C>T on transcript NM_003482.4 (MANE Select); 10 bases into the intron before coding-DNA position 5783, C replaced by T.
Molecular consequence: intron variant.
Genome position (GRCh38, 1-based): chr12:49,042,655, G>A on the plus strand (C>T on the coding strand, the complement: KMT2D is on the minus strand). VCF-style: chr12-49042655-G-A. GRCh37 (hg19) VCF-style: chr12-49436438-G-A.
Identifiers: ClinVar variation 748788 (VCV000748788.10), dbSNP rs780005453, ClinGen allele CA6547434.